The following is an entry in ClinVar:

NM_015910.7(WDPCP):c.1924G>C (p.Gly642Arg)

Gene: WDPCP (WD repeat containing planar cell polarity effector; minus strand). Cytogenetic location: 2p15.
Variant type: single nucleotide variant.
Coding change: c.1924G>C on transcript NM_015910.7 (MANE Select); coding-DNA position 1924, G replaced by C.
Protein change: p.Gly642Arg; replaces glycine 642 with arginine.
Molecular consequence: missense variant. On other transcripts: non-coding transcript variant (3).
Genome position (GRCh38, 1-based): chr2:63,174,824, C>G on the plus strand (G>C on the coding strand, the complement: WDPCP is on the minus strand). VCF-style: chr2-63174824-C-G. GRCh37 (hg19) VCF-style: chr2-63401959-C-G.
Other names: c.1447G>C, p.Gly483Arg (NM_001042692.3); c.1852G>C, p.Gly618Arg (NM_001354044.2); short protein forms G483R, G618R, G642R.
Identifiers: ClinVar variation 3345303 (VCV003345303.1).

ClinVar aggregate classification (germline): Uncertain significance (0 of 4 stars; one submission).

Conditions:
WDPCP-related disorder. Also called: WDPCP-related condition.

Submission:

PreventionGenetics, part of Exact Sciences
Classification: Uncertain significance for WDPCP-related condition. Last evaluated: 2024-08-09. Review status: no assertion criteria provided. Collection method: clinical testing. Allele origin: germline.
Comment: The WDPCP c.1924G>C variant is predicted to result in the amino acid substitution p.Gly642Arg. To our knowledge, this variant has not been reported in the literature or in a large population database indicating this variant is rare. At this time, the clinical significance of this variant is uncertain due to the absence of conclusive functional and genetic evidence.